The following is an entry in ClinVar:

NM_001130438.3(SPTAN1):c.3079G>A (p.Ala1027Thr)

Gene: SPTAN1 (spectrin alpha, non-erythrocytic 1; plus strand). Cytogenetic location: 9q34.11.
Variant type: single nucleotide variant.
Coding change: c.3079G>A on transcript NM_001130438.3 (MANE Select); coding-DNA position 3079, G replaced by A.
Protein change: p.Ala1027Thr; replaces alanine 1027 with threonine.
Molecular consequence: missense variant.
Genome position (GRCh38, 1-based): chr9:128,591,549, G>A. VCF-style: chr9-128591549-G-A. GRCh37 (hg19) VCF-style: chr9-131353828-G-A.
Other names: p.A1027T:GCC>ACC; c.3079G>A, p.Ala1027Thr (NM_001195532.2, NM_001363759.2, NM_001363765.2 and 1 more transcripts); short protein forms A1027T.
Identifiers: ClinVar variation 207329 (VCV000207329.11), dbSNP rs779759134, ClinGen allele CA318690.

ClinVar aggregate classification (germline): Conflicting classifications of pathogenicity. Review status: criteria provided, conflicting classifications (1 of 4 stars). 2 submissions from 2 submitters: Uncertain significance (1); Likely benign (1). Last evaluated 2025-05-27.

Conditions:
Early-infantile DEE. Also called: Ohtahara syndrome; Early infantile epileptic encephalopathy; Early infantile epileptic encephalopathy with suppression bursts. Identifiers: Orphanet 1934, MedGen C0393706, MONDO:0800491.

Allele frequency attached by ClinVar (database versions not stated): gnomAD exomes below 0.00001 and 0.00002; TOPMed 0.00002.
gnomAD v4.1: 25 of 1,614,094 alleles (0.0015%); highest among the groups gnomAD compares: Non-Finnish European, 0.0019%; no homozygotes.

Submissions (2):

Labcorp Genetics (formerly Invitae), Labcorp
Classification: Uncertain significance for Early-infantile DEE. Last evaluated: 2025-05-27. Review status: criteria provided, single submitter. Criteria: Invitae Variant Classification Sherloc (09022015). Collection method: clinical testing. Allele origin: germline.
Comment: This sequence change replaces alanine, which is neutral and non-polar, with threonine, which is neutral and polar, at codon 1027 of the SPTAN1 protein (p.Ala1027Thr). This variant is present in population databases (rs779759134, gnomAD 0.0009%). This missense change has been observed in individual(s) with SPTAN1-related condition (internal data). ClinVar contains an entry for this variant (Variation ID: 207329). Invitae Evidence Modeling of protein sequence and biophysical properties (such as structural, functional, and spatial information, amino acid conservation, physicochemical variation, residue mobility, and thermodynamic stability) has been performed for this missense variant. However, the output from this modeling did not meet the statistical confidence thresholds required to predict the impact of this variant on SPTAN1 protein function. In summary, the available evidence is currently insufficient to determine the role of this variant in disease. Therefore, it has been classified as a Variant of Uncertain Significance.

GeneDx
Classification: Likely benign. Last evaluated: 2021-03-18. Review status: criteria provided, single submitter. Criteria: GeneDx Variant Classification Process June 2021. Collection method: clinical testing. Allele origin: germline. Affected: yes.